The following is an entry in ClinVar:

ClinVar aggregate classification (germline): Uncertain significance. Review status: criteria provided, multiple submitters, no conflicts (2 of 4 stars). 5 submissions from 5 submitters: Uncertain significance (5). Last evaluated 2026-02-01.

Conditions:
Myasthenic syndrome, congenital, 22 (CMS22). Also called: PREPL DEFICIENCY. Identifiers: MedGen C4479088, MONDO:0044299, OMIM 616224.
Inborn genetic diseases. Identifiers: MedGen C0950123, MeSH D030342.

Allele frequency attached by ClinVar (database versions not stated): gnomAD exomes 0.00007 and 0.00008; ExAC 0.00015.
gnomAD v4.1: 103 of 1,613,860 alleles (0.0064%); highest among the groups gnomAD compares: Non-Finnish European, 0.0082%; no homozygotes.

Submissions (5):

Labcorp Genetics (formerly Invitae), Labcorp
Classification: Uncertain significance for Myasthenic syndrome, congenital, 22. Last evaluated: 2026-02-01. Review status: criteria provided, single submitter. Criteria: Invitae Variant Classification Sherloc (09022015). Collection method: clinical testing. Allele origin: germline.
Comment: This sequence change replaces phenylalanine, which is neutral and non-polar, with serine, which is neutral and polar, at codon 199 of the PREPL protein (p.Phe199Ser). This variant is present in population databases (rs777176046, gnomAD 0.02%). This variant has not been reported in the literature in individuals affected with PREPL-related conditions. ClinVar contains an entry for this variant (Variation ID: 916337). Invitae Evidence Modeling of protein sequence and biophysical properties (such as structural, functional, and spatial information, amino acid conservation, physicochemical variation, residue mobility, and thermodynamic stability) indicates that this missense variant is not expected to disrupt PREPL protein function with a negative predictive value of 80%. In summary, the available evidence is currently insufficient to determine the role of this variant in disease. Therefore, it has been classified as a Variant of Uncertain Significance.

Ambry Genetics
Classification: Uncertain significance for Inborn genetic diseases. Last evaluated: 2025-09-25. Review status: criteria provided, single submitter. Criteria: Ambry Variant Classification Scheme 2023. Collection method: clinical testing. Allele origin: germline.

Fulgent Genetics
Classification: Uncertain significance for Myasthenic syndrome, congenital, 22. Last evaluated: 2024-06-17. Review status: criteria provided, single submitter. Criteria: ACMG Guidelines, 2015. Collection method: clinical testing. Allele origin: germline.

Blueprint Genetics
Classification: Uncertain significance. Last evaluated: 2024-04-09. Review status: criteria provided, single submitter. Criteria: ACMG Guidelines, 2015. Collection method: clinical testing. Allele origin: germline.

CeGaT Center for Human Genetics Tuebingen
Classification: Uncertain significance. Last evaluated: 2020-03-01. Review status: criteria provided, single submitter. Criteria: CeGaT Center For Human Genetics Tuebingen Variant Classification Criteria Version 2. Collection method: clinical testing. Allele origin: germline. Affected: yes. Observed: 1 variant allele.

NM_001171613.2(PREPL):c.329T>C (p.Phe110Ser)

Gene: PREPL (prolyl endopeptidase like; minus strand). Cytogenetic location: 2p21.
Variant type: single nucleotide variant.
Coding change: c.329T>C on transcript NM_001171613.2 (MANE Select); coding-DNA position 329, T replaced by C.
Protein change: p.Phe110Ser; replaces phenylalanine 110 with serine.
Molecular consequence: missense variant.
Genome position (GRCh38, 1-based): chr2:44,343,765, A>G on the plus strand (T>C on the coding strand, the complement: PREPL is on the minus strand). VCF-style: chr2-44343765-A-G. GRCh37 (hg19) VCF-style: chr2-44570904-A-G.
Other names: c.596T>C, p.Phe199Ser (NM_006036.4, NM_001042385.2, NM_001042386.2 and 4 more transcripts); c.329T>C, p.Phe110Ser (NM_001171617.1, NM_001374277.1); short protein forms F110S, F199S.
Identifiers: ClinVar variation 916337 (VCV000916337.49), dbSNP rs777176046, ClinGen allele CA1641541.